The following is an entry in ClinVar:

ClinVar aggregate classification (germline): Uncertain significance. Review status: criteria provided, single submitter (1 of 4 stars). 2 submissions from 2 submitters: Uncertain significance (1). 1 of the submissions does not count toward it. Last evaluated 2021-08-27.

Conditions:
Glycine encephalopathy. Also called: Nonketotic hyperglycinemia; Non-ketotic hyperglycinemia. Identifiers: Orphanet 407, MedGen C0751748, MONDO:0011612, HP:0008288.

Allele frequency attached by ClinVar (database versions not stated): TOPMed 0.00001.
gnomAD v4.1: 27 of 1,590,070 alleles (0.0017%); highest among the groups gnomAD compares: Non-Finnish European, 0.0022%; no homozygotes.

Submissions (2):

Labcorp Genetics (formerly Invitae), Labcorp
Classification: Uncertain significance for Glycine encephalopathy. Last evaluated: 2021-08-27. Review status: criteria provided, single submitter. Criteria: Invitae Variant Classification Sherloc (09022015). Collection method: clinical testing. Allele origin: germline.
Comment: This sequence change replaces aspartic acid with glutamic acid at codon 61 of the GLDC protein (p.Asp61Glu). The aspartic acid residue is moderately conserved and there is a small physicochemical difference between aspartic acid and glutamic acid. This variant is not present in population databases (ExAC no frequency). This variant has not been reported in the literature in individuals affected with GLDC-related conditions. Algorithms developed to predict the effect of missense changes on protein structure and function are either unavailable or do not agree on the potential impact of this missense change (SIFT: "Deleterious"; PolyPhen-2: "Benign"; Align-GVGD: "Class C0"). In summary, the available evidence is currently insufficient to determine the role of this variant in disease. Therefore, it has been classified as a Variant of Uncertain Significance.

Natera, Inc.
Classification: Uncertain significance for Non-ketotic hyperglycinemia. Last evaluated: 2020-09-16. Review status: no assertion criteria provided. Collection method: clinical testing. Allele origin: germline. Not counted in ClinVar's aggregate classification.

NM_000170.3(GLDC):c.183C>G (p.Asp61Glu)

Gene: GLDC (glycine decarboxylase; minus strand). Cytogenetic location: 9p24.1.
Variant type: single nucleotide variant.
Coding change: c.183C>G on transcript NM_000170.3 (MANE Select); coding-DNA position 183, C replaced by G.
Protein change: p.Asp61Glu; replaces aspartic acid 61 with glutamic acid.
Molecular consequence: missense variant.
Genome position (GRCh38, 1-based): chr9:6,645,317, G>C on the plus strand (C>G on the coding strand, the complement: GLDC is on the minus strand). VCF-style: chr9-6645317-G-C. GRCh37 (hg19) VCF-style: chr9-6645317-G-C.
Other names: short protein forms D61E.
Identifiers: ClinVar variation 842669 (VCV000842669.7), dbSNP rs375497905, ClinGen allele CA372886644.